The following is an entry in ClinVar:

NM_000257.4(MYH7):c.2548G>A (p.Ala850Thr)

Genes: MYH7 (myosin heavy chain 7; minus strand), LOC126861898 (BRD4-independent group 4 enhancer GRCh37_chr14:23893609-23894808; plus strand). Cytogenetic location: 14q11.2.
Variant type: single nucleotide variant.
Coding change: c.2548G>A on transcript NM_000257.4 (MANE Select); coding-DNA position 2548, G replaced by A.
Protein change: p.Ala850Thr; replaces alanine 850 with threonine.
Molecular consequence: missense variant.
Genome position (GRCh38, 1-based): chr14:23,424,900, C>T on the plus strand (G>A on the coding strand, the complement: MYH7 is on the minus strand). VCF-style: chr14-23424900-C-T. GRCh37 (hg19) VCF-style: chr14-23894109-C-T.
Other names: short protein forms A850T.
Identifiers: ClinVar variation 403207 (VCV000403207.24), dbSNP rs1060499880, ClinGen allele CA16609767.

ClinVar aggregate classification (germline): Conflicting classifications of pathogenicity. Review status: criteria provided, conflicting classifications (1 of 4 stars). 7 submissions from 7 submitters: Likely pathogenic (2); Uncertain significance (5). Last evaluated 2025-06-18.

Conditions:
Cardiovascular phenotype. Identifiers: MedGen CN230736.
MYH7-related disorder. Also called: MYH7-related disorders; MYH7-related condition; MYH7-related disease.
Cardiomyopathy (CMYO). Also called: Cardiomyopathies. Identifiers: Orphanet 167848, MedGen C0878544, MONDO:0004994, HP:0001638. Inheritance: Various modes of inheritance.
Hypertrophic cardiomyopathy. Also called: HYPERTROPHIC MYOCARDIOPATHY. Identifiers: Orphanet 217569, MedGen C0007194, MeSH D002312, MONDO:0005045, HP:0001639.

Allele frequency attached by ClinVar (database versions not stated): gnomAD exomes below 0.00001 and 0.00001.
gnomAD v4.1: 4 of 1,614,204 alleles (0.00025%); highest among the groups gnomAD compares: Non-Finnish European, 0.00034%; no homozygotes.

Submissions (7):

Labcorp Genetics (formerly Invitae), Labcorp
Classification: Likely pathogenic for Hypertrophic cardiomyopathy. Last evaluated: 2025-06-18. Review status: criteria provided, single submitter. Criteria: Invitae Variant Classification Sherloc (09022015). Collection method: clinical testing. Allele origin: germline.
Comment: This sequence change replaces alanine, which is neutral and non-polar, with threonine, which is neutral and polar, at codon 850 of the MYH7 protein (p.Ala850Thr). This variant is present in population databases (no rsID available, gnomAD 0.0009%). This missense change has been observed in individuals with hypertrophic cardiomyopathy (PMID: 15940186, 29875424, 30297972, 37466024, 37652022; internal data). ClinVar contains an entry for this variant (Variation ID: 403207). Invitae Evidence Modeling of protein sequence and biophysical properties (such as structural, functional, and spatial information, amino acid conservation, physicochemical variation, residue mobility, and thermodynamic stability) indicates that this missense variant is expected to disrupt MYH7 protein function with a positive predictive value of 95%. This variant disrupts the p.Ala850 amino acid residue in MYH7. Other variant(s) that disrupt this residue have been observed in individuals with MYH7-related conditions (PMID: 18409188), which suggests that this may be a clinically significant amino acid residue. In summary, the currently available evidence indicates that the variant is pathogenic, but additional data are needed to prove that conclusively. Therefore, this variant has been classified as Likely Pathogenic.

All of Us Research Program, National Institutes of Health
Classification: Uncertain significance for Cardiomyopathy. Last evaluated: 2024-03-24. Review status: criteria provided, single submitter. Criteria: ACMG Guidelines, 2015. Collection method: clinical testing. Allele origin: germline. Inheritance: Autosomal dominant inheritance. Observed: 1 variant allele, 1 heterozygote.
Comment: This missense variant replaces alanine with threonine at codon 850 of the MYH7 protein. Computational prediction tools indicate that this variant has a deleterious impact on protein structure and function. This variant is found within a highly conserved region of the myosin head domain. Missense variants in this region have been shown to be significantly overrepresented in individuals with affected with hypertrophic cardiomyopathy (PMID: 27532257). To our knowledge, functional studies have not been reported for this variant. This variant has been reported in one individual affected with hypertrophic cardiomyopathy (PMID: 29875424, 30297972). This variant has been identified in 1/251470 chromosomes in the general population by the Genome Aggregation Database (gnomAD). The available evidence is insufficient to determine the role of this variant in disease conclusively. Therefore, this variant is classified as a Variant of Uncertain Significance.

This study involves interpretation of variants in research participants for the purpose of population health screening. Participant phenotype was not available at the time of variant classification. Additional details can be found in publication PMID: 35346344, PMCID: PMC8962531

GeneDx
Classification: Uncertain significance. Last evaluated: 2024-03-18. Review status: criteria provided, single submitter. Criteria: GeneDx Variant Classification Process June 2021. Collection method: clinical testing. Allele origin: germline. Affected: yes.
Comment: Reported in a patient with hypertrophic cardiomyopathy in the published literature, however, additional clinical information was not provided (PMID: 29875424); Not observed at significant frequency in large population cohorts (gnomAD); In silico analysis supports that this missense variant has a deleterious effect on protein structure/function; This variant is associated with the following publications: (PMID: 34426522, 15940186, 27532257, 29300372, 29875424, 37466024, 37652022)

Color Diagnostics, LLC DBA Color Health
Classification: Uncertain significance for Cardiomyopathy. Last evaluated: 2024-03-07. Review status: criteria provided, single submitter. Criteria: ACMG Guidelines, 2015. Collection method: clinical testing. Allele origin: germline.
Comment: This missense variant replaces alanine with threonine at codon 850 of the MYH7 protein. Computational prediction tools indicate that this variant has a deleterious impact on protein structure and function. This variant is found within a highly conserved region of the myosin head domain. Missense variants in this region have been shown to be significantly overrepresented in individuals with affected with hypertrophic cardiomyopathy (PMID: 27532257). To our knowledge, functional studies have not been reported for this variant. This variant has been reported in one individual affected with hypertrophic cardiomyopathy (PMID: 29875424, 30297972). This variant has been identified in 1/251470 chromosomes in the general population by the Genome Aggregation Database (gnomAD). The available evidence is insufficient to determine the role of this variant in disease conclusively. Therefore, this variant is classified as a Variant of Uncertain Significance.

Blueprint Genetics
Classification: Likely pathogenic for MYH7-related disorders. Last evaluated: 2021-08-06. Review status: criteria provided, single submitter. Criteria: ACMG Guidelines, 2015. Collection method: clinical testing. Allele origin: germline. Affected: yes. Observed: 1 variant allele.

Ambry Genetics
Classification: Uncertain significance for Cardiovascular phenotype. Last evaluated: 2017-04-07. Review status: criteria provided, single submitter. Criteria: Ambry Variant Classification Scheme 2023. Collection method: clinical testing. Allele origin: germline.
Comment: The p.A850T variant (also known as c.2548G>A), located in coding exon 20 of the MYH7 gene, results from a G to A substitution at nucleotide position 2548. The alanine at codon 850 is replaced by threonine, an amino acid with similar properties. Another alteration affecting the same amino acid (p.A850D, c.2549C>A) has been reported in an individual with hypertrophic cardiomyopathy (Fokstuen S et al. Hum. Mutat., 2008 Jun;29:879-85). This amino acid position is highly conserved in available vertebrate species. In addition, this alteration is predicted to be deleterious by in silico analysis. Since supporting evidence is limited at this time, the clinical significance of this alteration remains unclear.

Laboratory for Molecular Medicine, Mass General Brigham Personalized Medicine
Classification: Uncertain significance. Last evaluated: 2016-03-31. Review status: criteria provided, single submitter. Criteria: LMM Criteria. Collection method: clinical testing. Allele origin: germline.
Comment: Variant identified in a genome or exome case(s) and assessed due to predicted null impact of the variant or pathogenic assertions in the literature or databases. Disclaimer: This variant has not undergone full assessment. Absent from ExAC with good coverage

Literature cited by the submitters: PubMed 15940186 (cited by Labcorp Genetics (formerly Invitae), Labcorp); PubMed 29875424 (cited by 3 submitters); PubMed 30297972 (cited by 3 submitters); PubMed 37466024 (cited by Labcorp Genetics (formerly Invitae), Labcorp); PubMed 37652022 (cited by Labcorp Genetics (formerly Invitae), Labcorp); PubMed 18409188 (cited by Labcorp Genetics (formerly Invitae), Labcorp and Ambry Genetics); PubMed 27532257 (cited by All of Us Research Program, National Institutes of Health and Color Diagnostics, LLC DBA Color Health).